The following is an entry in ClinVar:

ClinVar aggregate classification (germline): Likely benign (1 of 4 stars; one submission).

gnomAD v4.1: 256 of 1,605,266 alleles (0.016%); highest among the groups gnomAD compares: East Asian, 0.011%; no homozygotes.

Submission:

CeGaT Center for Human Genetics Tuebingen
Classification: Likely benign. Last evaluated: 2025-10-01. Review status: criteria provided, single submitter. Criteria: CeGaT Center For Human Genetics Tuebingen Variant Classification Criteria Version 2. Collection method: clinical testing. Allele origin: germline. Affected: yes. Observed: 1 variant allele.
Comment: ADGRL1: BP4, BP7

NM_014921.5(ADGRL1):c.450G>A (p.Glu150=)

Genes: ADGRL1 (adhesion G protein-coupled receptor L1; minus strand), ADGRL1-AS1 (ADGRL1 antisense RNA 1; plus strand). Cytogenetic location: 19p13.12.
Variant type: single nucleotide variant.
Coding change: c.450G>A on transcript NM_014921.5 (MANE Select); coding-DNA position 450, G replaced by A.
Protein change: p.Glu150=; no amino-acid change (glutamic acid 150 retained).
Molecular consequence: synonymous variant.
Genome position (GRCh38, 1-based): chr19:14,163,351, C>T on the plus strand (G>A on the coding strand, the complement: ADGRL1 is on the minus strand). VCF-style: chr19-14163351-C-T. GRCh37 (hg19) VCF-style: chr19-14274163-C-T.
Other names: c.465G>A, p.Glu155= (NM_001008701.3).
Identifiers: ClinVar variation 4533735 (VCV004533735.6).